The following is an entry in ClinVar:

ClinVar aggregate classification (germline): Likely benign. Review status: criteria provided, single submitter (1 of 4 stars). 3 submissions from 3 submitters: Likely benign (1). 2 of the submissions do not count toward it. Last evaluated 2024-02-02.

Conditions:
ARSB-related disorder. Also called: ARSB-related condition.
Mucopolysaccharidosis type 6 (MPS6). Also called: ARSB DEFICIENCY; ARYLSULFATASE B DEFICIENCY; MPS 6; Maroteaux Lamy syndrome; MPS VI; N-ACETYLGALACTOSAMINE-4-SULFATASE DEFICIENCY. Identifiers: Orphanet 583, MedGen C0026709, MONDO:0009661, OMIM 253200.

Allele frequency attached by ClinVar (database versions not stated): gnomAD 0.00001; gnomAD exomes 0.00009 and 0.00051; 1000 Genomes Project 30x 0.00031; ExAC 0.00071.

Submissions (3):

Labcorp Genetics (formerly Invitae), Labcorp
Classification: Likely benign for Mucopolysaccharidosis type 6. Last evaluated: 2024-02-02. Review status: criteria provided, single submitter. Criteria: Invitae Variant Classification Sherloc (09022015). Collection method: clinical testing. Allele origin: germline.

Natera, Inc.
Classification: Uncertain significance for Mucopolysaccharidosis type VI. Last evaluated: 2020-01-24. Review status: no assertion criteria provided. Collection method: clinical testing. Allele origin: germline. Not counted in ClinVar's aggregate classification.

PreventionGenetics, part of Exact Sciences
Classification: Likely benign for ARSB-related condition. Last evaluated: 2019-02-21. Review status: no assertion criteria provided. Collection method: clinical testing. Allele origin: germline. Not counted in ClinVar's aggregate classification.
Comment: This variant is classified as likely benign based on ACMG/AMP sequence variant interpretation guidelines (Richards et al. 2015 PMID: 25741868, with internal and published modifications).

NM_000046.5(ARSB):c.88C>T (p.Leu30=)

Genes: ARSB (arylsulfatase B; minus strand), LOC129994126 (ATAC-STARR-seq lymphoblastoid silent region 16127; plus strand). Cytogenetic location: 5q14.1.
Variant type: single nucleotide variant.
Coding change: c.88C>T on transcript NM_000046.5 (MANE Select); coding-DNA position 88, C replaced by T.
Protein change: p.Leu30=; no amino-acid change (leucine 30 retained).
Molecular consequence: synonymous variant.
Genome position (GRCh38, 1-based): chr5:78,985,161, G>A on the plus strand (C>T on the coding strand, the complement: ARSB is on the minus strand). VCF-style: chr5-78985161-G-A. GRCh37 (hg19) VCF-style: chr5-78280984-G-A.
Other names: c.88C>T, p.Leu30= (NM_198709.3).
Identifiers: ClinVar variation 763788 (VCV000763788.12), dbSNP rs766870239, ClinGen allele CA3318365.